The following is an entry in ClinVar:

NM_000077.5(CDKN2A):c.44G>T (p.Trp15Leu)

Gene: CDKN2A (cyclin dependent kinase inhibitor 2A; minus strand). Cytogenetic location: 9p21.3.
Variant type: single nucleotide variant.
Coding change: c.44G>T on transcript NM_000077.5; coding-DNA position 44, G replaced by T.
Protein change: p.Trp15Leu; replaces tryptophan 15 with leucine.
Molecular consequence: missense variant (on NM_000077.6). On other transcripts: intron variant (2).
Genome position (GRCh38, 1-based): chr9:21,974,784, C>A on the plus strand (G>T on the coding strand, the complement: CDKN2A is on the minus strand). VCF-style: chr9-21974784-C-A. GRCh37 (hg19) VCF-style: chr9-21974783-C-A.
Other names: c.44G>T, p.Trp15Leu (NM_000077.6, NM_001195132.2, NM_058197.5); c.-3-3576G>T (NM_001363763.2); c.194-3576G>T (NM_058195.4); short protein forms W15L.
Identifiers: ClinVar variation 4756627 (VCV004756627.1).

ClinVar aggregate classification (germline): Uncertain significance (1 of 4 stars; one submission).

Conditions:
Hereditary cancer-predisposing syndrome. Also called: Neoplastic Syndromes, Hereditary; Tumor predisposition; Hereditary neoplastic syndrome; Hereditary Cancer Syndrome. Identifiers: Orphanet 140162, MedGen C0027672, MeSH D009386, MONDO:0015356.

gnomAD v4.1: 1 of 1,607,986 alleles (0.000062%); highest among the groups gnomAD compares: Non-Finnish European, 0.000085%; no homozygotes.

Submission:

Color Diagnostics, LLC DBA Color Health
Classification: Uncertain significance for Hereditary cancer-predisposing syndrome. Last evaluated: 2025-04-14. Review status: criteria provided, single submitter. Criteria: ACMG Guidelines, 2015. Collection method: clinical testing. Allele origin: germline.
Comment: The CDKN2A locus encodes two different gene products, p16INK4a and p14ARF. This missense variant replaces tryptophan with leucine at codon 15 of the CDKN2A (p16INK4A) protein. Computational prediction suggests that this variant may not impact protein structure and function. To our knowledge, functional studies have not been reported for this variant. This variant has not been reported in individuals affected with CDKN2A-related disorders in the literature. This variant has not been identified in the general population by the Genome Aggregation Database (gnomAD). The available evidence is insufficient to determine the role of this variant in disease conclusively. Therefore, this variant is classified as a Variant of Uncertain Significance.